The following is an entry in ClinVar:

NM_018671.5(UNC45A):c.1237C>T (p.Arg413Trp)

Gene: UNC45A (unc-45 myosin chaperone A; plus strand). Cytogenetic location: 15q26.1.
Variant type: single nucleotide variant.
Coding change: c.1237C>T on transcript NM_018671.5 (MANE Select); coding-DNA position 1237, C replaced by T.
Protein change: p.Arg413Trp; replaces arginine 413 with tryptophan.
Molecular consequence: missense variant.
Genome position (GRCh38, 1-based): chr15:90,946,651, C>T. VCF-style: chr15-90946651-C-T. GRCh37 (hg19) VCF-style: chr15-91489881-C-T.
Other names: c.1192C>T, p.Arg398Trp (NM_001039675.2, NM_001323621.2); c.1237C>T, p.Arg413Trp (NM_001323619.1); c.802C>T, p.Arg268Trp (NM_001323620.2); c.1237C>T (NM_018671.3); short protein forms R268W, R398W, R413W.
Identifiers: ClinVar variation 1383525 (VCV001383525.5), dbSNP rs373214423, ClinGen allele CA7742835.

ClinVar aggregate classification (germline): Uncertain significance. Review status: criteria provided, multiple submitters, no conflicts (2 of 4 stars). 3 submissions from 3 submitters: Uncertain significance (2). 1 of the submissions does not count toward it. Last evaluated 2025-03-22.

Conditions:
Inborn genetic diseases. Identifiers: MedGen C0950123, MeSH D030342.
UNC45A-related disorder. Also called: UNC45A-related condition.

Allele frequency attached by ClinVar (database versions not stated): ExAC 0.00006; ESP Exome Variant Server 0.00008; gnomAD 0.00019 and 0.00021; TOPMed 0.00019; gnomAD exomes 0.00007.
gnomAD v4.1: 58 of 1,611,088 alleles (0.0036%); highest among the groups gnomAD compares: African/African-American, 0.043%; no homozygotes.

Submissions (3):

Ambry Genetics
Classification: Uncertain significance for Inborn genetic diseases. Last evaluated: 2025-03-22. Review status: criteria provided, single submitter. Criteria: Ambry Variant Classification Scheme 2023. Collection method: clinical testing. Allele origin: germline.

Labcorp Genetics (formerly Invitae), Labcorp
Classification: Uncertain significance. Last evaluated: 2022-08-19. Review status: criteria provided, single submitter. Criteria: Invitae Variant Classification Sherloc (09022015). Collection method: clinical testing. Allele origin: germline.
Comment: This sequence change replaces arginine, which is basic and polar, with tryptophan, which is neutral and slightly polar, at codon 413 of the UNC45A protein (p.Arg413Trp). This variant is present in population databases (rs373214423, gnomAD 0.05%). This variant has not been reported in the literature in individuals affected with UNC45A-related conditions. ClinVar contains an entry for this variant (Variation ID: 1383525). Experimental studies and prediction algorithms are not available or were not evaluated, and the functional significance of this variant is currently unknown. In summary, the available evidence is currently insufficient to determine the role of this variant in disease. Therefore, it has been classified as a Variant of Uncertain Significance.

PreventionGenetics, part of Exact Sciences
Classification: Uncertain significance for UNC45A-related condition. Last evaluated: 2024-03-27. Review status: no assertion criteria provided. Collection method: clinical testing. Allele origin: germline. Not counted in ClinVar's aggregate classification.
Comment: The UNC45A c.1237C>T variant is predicted to result in the amino acid substitution p.Arg413Trp. To our knowledge, this variant has not been reported in the literature. This variant is reported in 0.056% of alleles in individuals of African descent in gnomAD. At this time, the clinical significance of this variant is uncertain due to the absence of conclusive functional and genetic evidence.